The following is an entry in ClinVar:

ClinVar aggregate classification (germline): Conflicting classifications of pathogenicity. Review status: criteria provided, conflicting classifications (1 of 4 stars). 2 submissions from 2 submitters: Uncertain significance (1); Likely benign (1). Last evaluated 2024-01-03.

Allele frequency attached by ClinVar (database versions not stated): ExAC 0.00007; gnomAD exomes 0.00015; gnomAD 0.00006; TOPMed 0.00005.
gnomAD v4.1: 249 of 1,600,562 alleles (0.016%); highest among the groups gnomAD compares: Non-Finnish European, 0.019%; no homozygotes.

Submissions (2):

Ambry Genetics
Classification: Likely benign. Last evaluated: 2024-01-03. Review status: criteria provided, single submitter. Criteria: Ambry Variant Classification Scheme 2023. Collection method: clinical testing. Allele origin: germline.

Labcorp Genetics (formerly Invitae), Labcorp
Classification: Uncertain significance. Last evaluated: 2023-06-09. Review status: criteria provided, single submitter. Criteria: Invitae Variant Classification Sherloc (09022015). Collection method: clinical testing. Allele origin: germline.
Comment: In summary, the available evidence is currently insufficient to determine the role of this variant in disease. Therefore, it has been classified as a Variant of Uncertain Significance. Algorithms developed to predict the effect of missense changes on protein structure and function output the following: SIFT: "Not Available"; PolyPhen-2: "Benign"; Align-GVGD: "Not Available". The threonine amino acid residue is found in multiple mammalian species, which suggests that this missense change does not adversely affect protein function. ClinVar contains an entry for this variant (Variation ID: 2072030). This variant has not been reported in the literature in individuals affected with KLC2-related conditions. This variant is present in population databases (rs201517210, gnomAD 0.01%). This sequence change replaces alanine, which is neutral and non-polar, with threonine, which is neutral and polar, at codon 429 of the KLC2 protein (p.Ala429Thr).

NM_001318734.2(KLC2):c.1285G>A (p.Ala429Thr)

Genes: KLC2 (kinesin light chain 2; plus strand), KLC2-AS1 (KLC2 antisense RNA 1; minus strand). Cytogenetic location: 11q13.2.
Variant type: single nucleotide variant.
Coding change: c.1285G>A on transcript NM_001318734.2 (MANE Select); coding-DNA position 1285, G replaced by A.
Protein change: p.Ala429Thr; replaces alanine 429 with threonine.
Molecular consequence: missense variant.
Genome position (GRCh38, 1-based): chr11:66,265,186, G>A. VCF-style: chr11-66265186-G-A. GRCh37 (hg19) VCF-style: chr11-66032657-G-A.
Other names: c.1054G>A, p.Ala352Thr (NM_001134774.2); c.1285G>A, p.Ala429Thr (NM_001134775.2, NM_001134776.2, NM_022822.3); c.1285G>A (NM_001134775.1); short protein forms A352T, A429T.
Identifiers: ClinVar variation 2072030 (VCV002072030.5), dbSNP rs201517210, ClinGen allele CA6117381.